The following is an entry in ClinVar:

ClinVar aggregate classification (germline): Conflicting classifications of pathogenicity. Review status: criteria provided, conflicting classifications (1 of 4 stars). 2 submissions from 2 submitters: Uncertain significance (1); Likely benign (1). Last evaluated 2021-08-31.

Conditions:
Duchenne muscular dystrophy (DMD). Also called: MUSCULAR DYSTROPHY, PSEUDOHYPERTROPHIC PROGRESSIVE, DUCHENNE TYPE; Duchenne Muscular Dystrophy (DMD). Identifiers: Orphanet 98896, MedGen C0013264, MONDO:0010679, OMIM 310200.

Allele frequency attached by ClinVar (database versions not stated): gnomAD exomes below 0.00001; TOPMed below 0.00001.
gnomAD v4.1: 1 of 1,203,379 alleles (0.000083%); highest among the groups gnomAD compares: Non-Finnish European, 0.00011%; no homozygotes.

Submissions (2):

Labcorp Genetics (formerly Invitae), Labcorp
Classification: Uncertain significance for Duchenne muscular dystrophy. Last evaluated: 2021-08-31. Review status: criteria provided, single submitter. Criteria: Invitae Variant Classification Sherloc (09022015). Collection method: clinical testing. Allele origin: germline.
Comment: This sequence change falls in intron 54 of the DMD gene. It does not directly change the encoded amino acid sequence of the DMD protein. It affects a nucleotide within the consensus splice site of the intron. This variant is not present in population databases (ExAC no frequency). This variant has not been reported in the literature in individuals affected with DMD-related conditions. Variants that disrupt the consensus splice site are a relatively common cause of aberrant splicing (PMID: 17576681, 9536098). Algorithms developed to predict the effect of sequence changes on RNA splicing suggest that this variant is not likely to affect RNA splicing. In summary, the available evidence is currently insufficient to determine the role of this variant in disease. Therefore, it has been classified as a Variant of Uncertain Significance.

GeneDx
Classification: Likely benign. Last evaluated: 2021-05-18. Review status: criteria provided, single submitter. Criteria: GeneDx Variant Classification Process June 2021. Collection method: clinical testing. Allele origin: germline. Affected: yes.

Literature cited by the submitters: PubMed 17576681 (cited by Labcorp Genetics (formerly Invitae), Labcorp); PubMed 9536098 (cited by Labcorp Genetics (formerly Invitae), Labcorp).

NM_004006.3(DMD):c.8028-3C>T

Gene: DMD (dystrophin; minus strand). Cytogenetic location: Xp21.1.
Variant type: single nucleotide variant.
Coding change: c.8028-3C>T on transcript NM_004006.3 (MANE Select); 3 bases into the intron before coding-DNA position 8028, C replaced by T.
Molecular consequence: intron variant.
Genome position (GRCh38, 1-based): chrX:31,627,865, G>A on the plus strand (C>T on the coding strand, the complement: DMD is on the minus strand). VCF-style: chrX-31627865-G-A. GRCh37 (hg19) VCF-style: chrX-31645982-G-A.
Other names: c.8004-3C>T (NM_000109.4); c.4005-3C>T (NM_004011.4); c.3996-3C>T (NM_004012.4); c.648-3C>T (NM_004023.3, NM_004020.4, NM_004022.3 and 2 more transcripts); c.8016-3C>T (NM_004009.3); c.7659-3C>T (NM_004010.3).
Identifiers: ClinVar variation 657443 (VCV000657443.7), dbSNP rs1603430208, ClinGen allele CA915950869.